The following is an entry in ClinVar:

ClinVar aggregate classification (germline): Likely benign (1 of 4 stars; one submission).

Submission:

CeGaT Center for Human Genetics Tuebingen
Classification: Likely benign. Last evaluated: 2026-03-01. Review status: criteria provided, single submitter. Criteria: CeGaT Center For Human Genetics Tuebingen Variant Classification Criteria Version 2. Collection method: clinical testing. Allele origin: germline. Affected: yes. Observed: 1 variant allele.
Comment: ANK2: PM2:Supporting, BP4, BP7

NM_001148.6(ANK2):c.8136T>C (p.Pro2712=)

Gene: ANK2 (ankyrin 2; plus strand). Cytogenetic location: 4q26.
Variant type: single nucleotide variant.
Coding change: c.8136T>C on transcript NM_001148.6 (MANE Select); coding-DNA position 8136, T replaced by C.
Protein change: p.Pro2712=; no amino-acid change (proline 2712 retained).
Molecular consequence: synonymous variant. On other transcripts: intron variant (68).
Genome position (GRCh38, 1-based): chr4:113,356,754, T>C. VCF-style: chr4-113356754-T-C. GRCh37 (hg19) VCF-style: chr4-114277910-T-C.
Other names: c.4397-4069T>C (NM_001354252.2, NM_001354239.2); c.4298-4069T>C (NM_001354272.2); c.4361-4069T>C (NM_001354244.2, NM_001354256.2, NM_001386161.1); c.4400-4069T>C (NM_001127493.3); c.4364-4069T>C (NM_001386143.1, NM_001354243.2, NM_001354255.2); c.4265-4069T>C (NM_001354262.2, NM_001354275.2, NM_001354245.2); c.4202-4069T>C (NM_001354253.2, NM_001354270.2); c.4166-4069T>C (NM_001354257.2, NM_001386156.1); and 35 more.
Identifiers: ClinVar variation 4823653 (VCV004823653.4).
Genomic context (GRCh38, chr4:113,356,754, plus strand): 5'-TTCTCCACTTCCATCAAGCATGGACTCCAATTCCAGTCCAGAAGAAGTACAATTCCAGCC[T>C]GTCGTTTCCAAACAATATACTTTCAAGATGAATGAAGATACTCAGGAAGAGCCAGGCAAA-3'
Protein context (NP_001139.3, residues 2702-2722): NSSPEEVQFQ[Pro2712=]VVSKQYTFKM